The following is an entry in ClinVar:

NM_019892.6(INPP5E):c.220C>G (p.Pro74Ala)

Gene: INPP5E (inositol polyphosphate-5-phosphatase E; minus strand). Cytogenetic location: 9q34.3.
Variant type: single nucleotide variant.
Coding change: c.220C>G on transcript NM_019892.6 (MANE Select); coding-DNA position 220, C replaced by G.
Protein change: p.Pro74Ala; replaces proline 74 with alanine.
Molecular consequence: missense variant.
Genome position (GRCh38, 1-based): chr9:136,439,200, G>C on the plus strand (C>G on the coding strand, the complement: INPP5E is on the minus strand). VCF-style: chr9-136439200-G-C. GRCh37 (hg19) VCF-style: chr9-139333652-G-C.
Other names: c.220C>G (NM_019892.4, NM_019892.5); c.220C>G, p.Pro74Ala (NM_001318502.2); short protein forms P74A.
Identifiers: ClinVar variation 1360897 (VCV001360897.7), dbSNP rs755881439, ClinGen allele CA201649351.

ClinVar aggregate classification (germline): Uncertain significance. Review status: criteria provided, multiple submitters, no conflicts (2 of 4 stars). 3 submissions from 3 submitters: Uncertain significance (3). Last evaluated 2026-01-09.

Conditions:
Inborn genetic diseases. Identifiers: MedGen C0950123, MeSH D030342.
INPP5E-related disorder. Also called: INPP5E-related condition.
Joubert syndrome. Also called: Familial aplasia of the vermis; JOUBERT-BOLTSHAUSER SYNDROME. Identifiers: Orphanet 475, MedGen C5979921, MONDO:0018772.

Submissions (3):

PreventionGenetics, part of Exact Sciences
Classification: Uncertain significance for INPP5E-related condition. Last evaluated: 2026-01-09. Review status: criteria provided, single submitter. Criteria: ACMG Guidelines, 2015. Collection method: clinical testing. Allele origin: germline.
Comment: The INPP5E c.220C>G variant is predicted to result in the amino acid substitution p.Pro74Ala. To our knowledge, this variant has not been reported in the literature. This variant is reported in 0.033% of alleles in individuals of African descent in gnomAD. At this time, the clinical significance of this variant is uncertain due to the absence of conclusive functional and genetic evidence.

Ambry Genetics
Classification: Uncertain significance for Inborn genetic diseases. Last evaluated: 2024-08-20. Review status: criteria provided, single submitter. Criteria: Ambry Variant Classification Scheme 2023. Collection method: clinical testing. Allele origin: germline.

Labcorp Genetics (formerly Invitae), Labcorp
Classification: Uncertain significance for Joubert syndrome. Last evaluated: 2022-08-16. Review status: criteria provided, single submitter. Criteria: Invitae Variant Classification Sherloc (09022015). Collection method: clinical testing. Allele origin: germline.
Comment: This sequence change replaces proline, which is neutral and non-polar, with alanine, which is neutral and non-polar, at codon 74 of the INPP5E protein (p.Pro74Ala). This variant is present in population databases (no rsID available, gnomAD 0.03%). This variant has not been reported in the literature in individuals affected with INPP5E-related conditions. ClinVar contains an entry for this variant (Variation ID: 1360897). Advanced modeling of protein sequence and biophysical properties (such as structural, functional, and spatial information, amino acid conservation, physicochemical variation, residue mobility, and thermodynamic stability) performed at Invitae indicates that this missense variant is not expected to disrupt INPP5E protein function. In summary, the available evidence is currently insufficient to determine the role of this variant in disease. Therefore, it has been classified as a Variant of Uncertain Significance.